The following is an entry in ClinVar:

ClinVar aggregate classification (germline): Likely benign (1 of 4 stars; one submission).

Submission:

CeGaT Center for Human Genetics Tuebingen
Classification: Likely benign. Last evaluated: 2026-09-01. Review status: criteria provided, single submitter. Criteria: CeGaT Center For Human Genetics Tuebingen Variant Classification Criteria Version 2. Collection method: clinical testing. Allele origin: germline. Affected: yes. Observed: 1 variant allele.
Comment: SLC1A4: PM2:Supporting, BP4, BP7

NM_003038.5(SLC1A4):c.135G>A (p.Val45=)

Gene: SLC1A4 (solute carrier family 1 member 4; plus strand). Cytogenetic location: 2p14.
Variant type: single nucleotide variant.
Coding change: c.135G>A on transcript NM_003038.5 (MANE Select); coding-DNA position 135, G replaced by A.
Protein change: p.Val45=; no amino-acid change (valine 45 retained).
Molecular consequence: synonymous variant. On other transcripts: intron variant (3).
Genome position (GRCh38, 1-based): chr2:64,989,778, G>A. VCF-style: chr2-64989778-G-A. GRCh37 (hg19) VCF-style: chr2-65216912-G-A.
Other names: c.-134+1158G>A (NM_001348406.2, NM_001193493.2); c.-134+1224G>A (NM_001348407.2).
Identifiers: ClinVar variation 5041642 (VCV005041642.1).